The following is an entry in ClinVar:

ClinVar aggregate classification (germline): Pathogenic/Likely pathogenic. Review status: criteria provided, multiple submitters, no conflicts (2 of 4 stars). 3 submissions from 3 submitters: Pathogenic (1); Likely pathogenic (1). 1 of the submissions does not count toward it. Last evaluated 2021-12-12.

Conditions:
Nemaline myopathy 2 (NEM2). Also called: Nemaline myopathy 2, autosomal recessive. Identifiers: MedGen C1850569, MONDO:0009725, OMIM 256030.

Allele frequency attached by ClinVar (database versions not stated): TOPMed below 0.00001.
gnomAD v4.1: 1 of 1,574,024 alleles (0.000064%); no homozygotes.

Submissions (3):

Labcorp Genetics (formerly Invitae), Labcorp
Classification: Pathogenic for Nemaline myopathy 2. Last evaluated: 2021-12-12. Review status: criteria provided, single submitter. Criteria: Invitae Variant Classification Sherloc (09022015). Collection method: clinical testing. Allele origin: germline.
Comment: For these reasons, this variant has been classified as Pathogenic. Algorithms developed to predict the effect of sequence changes on RNA splicing suggest that this variant may disrupt the consensus splice site. ClinVar contains an entry for this variant (Variation ID: 554288). Disruption of this splice site has been observed in individual(s) with autosomal recessive nemaline myopathy (PMID: 22367672). In at least one individual the data is consistent with being in trans (on the opposite chromosome) from a pathogenic variant. This variant is not present in population databases (gnomAD no frequency). This sequence change affects an acceptor splice site in intron 66 of the NEB gene. It is expected to disrupt RNA splicing. Variants that disrupt the donor or acceptor splice site typically lead to a loss of protein function (PMID: 16199547), and loss-of-function variants in NEB are known to be pathogenic (PMID: 25205138).

Kariminejad - Najmabadi Pathology & Genetics Center
Classification: Likely pathogenic for Nemaline myopathy 2. Review status: criteria provided, single submitter. Criteria: ACMG Guidelines, 2015. Collection method: clinical testing. Allele origin: germline. Affected: no.

Counsyl
Classification: Likely pathogenic for Nemaline myopathy 2. Last evaluated: 2017-10-13. Review status: no assertion criteria provided. Collection method: clinical testing. Allele origin: unknown. Not counted in ClinVar's aggregate classification.

Literature cited by the submitters: PubMed 22367672 (cited by Labcorp Genetics (formerly Invitae), Labcorp); PubMed 16199547 (cited by Labcorp Genetics (formerly Invitae), Labcorp); PubMed 25205138 (cited by Labcorp Genetics (formerly Invitae), Labcorp).

NM_001164508.2(NEB):c.9619-1G>A

Gene: NEB (nebulin; minus strand). Cytogenetic location: 2q23.3.
Variant type: single nucleotide variant.
Coding change: c.9619-1G>A on transcript NM_001164508.2 (MANE Select); the canonical splice acceptor site of the intron before coding-DNA position 9619, G replaced by A.
Molecular consequence: splice acceptor variant.
Genome position (GRCh38, 1-based): chr2:151,630,820, C>T on the plus strand (G>A on the coding strand, the complement: NEB is on the minus strand). VCF-style: chr2-151630820-C-T. GRCh37 (hg19) VCF-style: chr2-152487334-C-T.
Other names: c.8890-1G>A (NM_004543.5); c.9619-1G>A (NM_001164507.2, NM_001271208.2).
Identifiers: ClinVar variation 554288 (VCV000554288.9), dbSNP rs1390379576, ClinGen allele CA348799280.